The following is an entry in ClinVar:

ClinVar aggregate classification (germline): Likely benign (1 of 4 stars; one submission).

Submission:

CeGaT Center for Human Genetics Tuebingen
Classification: Likely benign. Last evaluated: 2023-03-01. Review status: criteria provided, single submitter. Criteria: CeGaT Center For Human Genetics Tuebingen Variant Classification Criteria Version 2. Collection method: clinical testing. Allele origin: germline. Affected: yes. Observed: 5 variant alleles.
Comment: DGKH: BS2

NM_178009.5(DGKH):c.623-3_623-2insTTTTTTTTTTTTTTTTTTTTTTTTTTTTTT

Gene: DGKH (diacylglycerol kinase eta; plus strand). Cytogenetic location: 13q14.11.
Variant type: Insertion.
Coding change: c.623-3_623-2insTTTTTTTTTTTTTTTTTTTTTTTTTTTTTT on transcript NM_178009.5 (MANE Select); 3 bases into the intron before coding-DNA position 623 through the canonical splice acceptor site of the intron before coding-DNA position 623, TTTTTTTTTTTTTTTTTTTTTTTTTTTTTT inserted.
Molecular consequence: intron variant.
Genome position: GRCh38 VCF-style: chr13-42159244-C-CTTTTTTTTTTTTTTTTTTTTTTTTTTTTTT. GRCh37 (hg19) VCF-style: chr13-42733380-C-CTTTTTTTTTTTTTTTTTTTTTTTTTTTTTT.
Other names: c.623-3_623-2insTTTTTTTTTTTTTTTTTTTTTTTTTTTTTT (NM_001204504.3, NM_152910.6); c.215-3_215-2insTTTTTTTTTTTTTTTTTTTTTTTTTTTTTT (NM_001204505.3, NM_001204506.3); c.120+3464_120+3465insTTTTTTTTTTTTTTTTTTTTTTTTTTTTTT (NM_001297429.2).
Identifiers: ClinVar variation 2643785 (VCV002643785.24), dbSNP rs57531279, ClinGen allele CA955363752.